The following is an entry in ClinVar:

NM_198526.4(ZNF710):c.441C>T (p.Cys147=)

Gene: ZNF710 (zinc finger protein 710; plus strand). Cytogenetic location: 15q26.1.
Variant type: single nucleotide variant.
Coding change: c.441C>T on transcript NM_198526.4 (MANE Select); coding-DNA position 441, C replaced by T.
Protein change: p.Cys147=; no amino-acid change (cysteine 147 retained).
Molecular consequence: synonymous variant.
Genome position (GRCh38, 1-based): chr15:90,067,578, C>T. VCF-style: chr15-90067578-C-T. GRCh37 (hg19) VCF-style: chr15-90610810-C-T.
Identifiers: ClinVar variation 2645701 (VCV002645701.24), dbSNP rs201986890, ClinGen allele CA7732440.

ClinVar aggregate classification (germline): Likely benign (1 of 4 stars; one submission).

Allele frequency attached by ClinVar (database versions not stated): 1000 Genomes Project 30x 0.00016; gnomAD 0.00078; ESP Exome Variant Server 0.00085; TOPMed 0.00086.
gnomAD v4.1: 1,326 of 1,609,652 alleles (0.082%); highest among the groups gnomAD compares: Middle Eastern, 0.23%; 2 homozygotes.

Submission:

CeGaT Center for Human Genetics Tuebingen
Classification: Likely benign. Last evaluated: 2023-02-01. Review status: criteria provided, single submitter. Criteria: CeGaT Center For Human Genetics Tuebingen Variant Classification Criteria Version 2. Collection method: clinical testing. Allele origin: germline. Affected: yes. Observed: 1 variant allele.
Comment: ZNF710: BP4, BP7